The following is an entry in ClinVar:

ClinVar aggregate classification (germline): Likely benign. Review status: criteria provided, single submitter (1 of 4 stars). 3 submissions from 3 submitters: Likely benign (1). 2 of the submissions do not count toward it. Last evaluated 2019-12-31.

Conditions:
Alport syndrome. Also called: Hemorrhagic familial nephritis; Hemorrhagic hereditary nephritis; Congenital hereditary hematuria. Identifiers: Orphanet 63, MedGen C1567741, MONDO:0018965.
COL4A4-related disorder.

Submissions (3):

Labcorp Genetics (formerly Invitae), Labcorp
Classification: Likely benign. Last evaluated: 2019-12-31. Review status: criteria provided, single submitter. Criteria: Invitae Variant Classification Sherloc (09022015). Collection method: clinical testing. Allele origin: germline.

Natera, Inc.
Classification: Uncertain significance for Alport syndrome. Last evaluated: 2020-01-17. Review status: no assertion criteria provided. Collection method: clinical testing. Allele origin: germline. Not counted in ClinVar's aggregate classification.

PreventionGenetics, part of Exact Sciences
Classification: Likely benign for COL4A4-related condition. Last evaluated: 2019-08-30. Review status: no assertion criteria provided. Collection method: clinical testing. Allele origin: germline. Not counted in ClinVar's aggregate classification.
Comment: This variant is classified as likely benign based on ACMG/AMP sequence variant interpretation guidelines (Richards et al. 2015 PMID: 25741868, with internal and published modifications).

NM_000092.5(COL4A4):c.2164+8A>T

Gene: COL4A4 (collagen type IV alpha 4 chain; minus strand). Cytogenetic location: 2q36.3.
Variant type: single nucleotide variant.
Coding change: c.2164+8A>T on transcript NM_000092.5 (MANE Select); 8 bases into the intron after coding-DNA position 2164, A replaced by T.
Molecular consequence: intron variant.
Genome position (GRCh38, 1-based): chr2:227,060,128, T>A on the plus strand (A>T on the coding strand, the complement: COL4A4 is on the minus strand). VCF-style: chr2-227060128-T-A. GRCh37 (hg19) VCF-style: chr2-227924844-T-A.
Identifiers: ClinVar variation 726486 (VCV000726486.7), dbSNP rs745682054, ClinGen allele CA765673045.
Genomic context (GRCh38, chr2:227,060,128, plus strand): 5'-GTTAAAAAGTTCCTGATAGATATTCCCAAAGCAGAAAAAAAAAAAAAAAAAAAAAAAACC[T>A]CACTGACCAGGTGGACCTGGTATTTCCGCTGTTCCTGGTGTGCCAGGTCTGCCTTTATGC-3'